The following is an entry in ClinVar:

NM_006231.4(POLE):c.1399TAC[1] (p.Tyr468del)

Gene: POLE (DNA polymerase epsilon, catalytic subunit; minus strand). Cytogenetic location: 12q24.33.
Variant type: Microsatellite.
Coding change: c.1399TAC[1] on transcript NM_006231.4 (MANE Select); one copy of the 3-base unit TAC starting at c.1399; the reference has two copies in a row; one copy, 3 bases deleted.
Protein change: p.Tyr468del; deletes tyrosine 468.
Molecular consequence: inframe deletion.
Genome position (GRCh38, 1-based): chr12:132,673,233-132,673,235, GTA deleted on the plus strand (TAC on the coding strand, the reverse complement: POLE is on the minus strand); deleting any 3 consecutive bases within chr12:132,673,233-132,673,238 gives the same sequence; the position shown is the placement nearest the transcript's 3' end. VCF-style (leftmost placement, unchanged base first): chr12-132673232-GGTA-G. GRCh37 (hg19) VCF-style: chr12-133249818-GGTA-G.
Other names: c.1402_1404delTAC (NM_006231.2); short protein forms Y468del.
Identifiers: ClinVar variation 1474087 (VCV001474087.9), dbSNP rs2135996515, ClinGen allele CA2580614605.

ClinVar aggregate classification (germline): Uncertain significance. Review status: criteria provided, multiple submitters, no conflicts (2 of 4 stars). 2 submissions from 2 submitters: Uncertain significance (2). Last evaluated 2024-08-22.

Conditions:
Hereditary cancer-predisposing syndrome. Also called: Neoplastic Syndromes, Hereditary; Hereditary Cancer Syndrome; Tumor predisposition; Hereditary neoplastic syndrome. Identifiers: Orphanet 140162, MedGen C0027672, MeSH D009386, MONDO:0015356.

Submissions (2):

Ambry Genetics
Classification: Uncertain significance for Hereditary cancer-predisposing syndrome. Last evaluated: 2024-08-22. Review status: criteria provided, single submitter. Criteria: Ambry Variant Classification Scheme 2023. Collection method: clinical testing. Allele origin: germline.
Comment: The c.1402_1404delTAC variant (also known as p.Y468del) is located in coding exon 14 of the POLE gene. This variant results from an in-frame TAC deletion at nucleotide positions 1402 to 1404. This results in the in-frame deletion of a tyrosine at codon 468. This amino acid position is highly conserved in available vertebrate species. In addition, this alteration is predicted to be deleterious by in silico analysis (Choi Y et al. PLoS ONE. 2012; 7(10):e46688). Based on the available evidence, the clinical significance of this variant remains unclear.

Labcorp Genetics (formerly Invitae), Labcorp
Classification: Uncertain significance. Last evaluated: 2021-05-07. Review status: criteria provided, single submitter. Criteria: Invitae Variant Classification Sherloc (09022015). Collection method: clinical testing. Allele origin: germline.
Comment: In summary, the available evidence is currently insufficient to determine the role of this variant in disease. Therefore, it has been classified as a Variant of Uncertain Significance. Experimental studies and prediction algorithms are not available or were not evaluated, and the functional significance of this variant is currently unknown. This variant has not been reported in the literature in individuals with POLE-related conditions. This variant is not present in population databases (ExAC no frequency). This variant, c.1402_1404del, results in the deletion of 1 amino acid(s) of the POLE protein (p.Tyr468del), but otherwise preserves the integrity of the reading frame.